The following is an entry in ClinVar:

ClinVar aggregate classification (germline): Conflicting classifications of pathogenicity. Review status: criteria provided, conflicting classifications (1 of 4 stars). 3 submissions from 3 submitters: Uncertain significance (1); Likely benign (2). Last evaluated 2025-10-13.

Conditions:
Multiple endocrine neoplasia, type 2 (MEN2). Identifiers: Orphanet 653, MedGen C4048306, MONDO:0019003. Disease mechanism: gain of function.
Hereditary cancer-predisposing syndrome. Also called: Neoplastic Syndromes, Hereditary; Hereditary Cancer Syndrome; Hereditary neoplastic syndrome; Tumor predisposition. Identifiers: Orphanet 140162, MedGen C0027672, MeSH D009386, MONDO:0015356.

Allele frequency attached by ClinVar (database versions not stated): gnomAD exomes below 0.00001; TOPMed below 0.00001.
gnomAD v4.1: 1 of 1,613,498 alleles (0.000062%); highest among the groups gnomAD compares: Non-Finnish European, 0.000085%; no homozygotes.

Submissions (3):

Labcorp Genetics (formerly Invitae), Labcorp
Classification: Likely benign for Multiple endocrine neoplasia, type 2. Last evaluated: 2025-10-13. Review status: criteria provided, single submitter. Criteria: Invitae Variant Classification Sherloc (09022015). Collection method: clinical testing. Allele origin: germline.

Ambry Genetics
Classification: Uncertain significance for Hereditary cancer-predisposing syndrome. Last evaluated: 2024-01-16. Review status: criteria provided, single submitter. Criteria: Ambry Variant Classification Scheme 2023. Collection method: clinical testing. Allele origin: germline.
Comment: The c.74-5C>T intronic variant results from a C to T substitution 5 nucleotides upstream from coding exon 2 in the RET gene. This nucleotide position is not well conserved in available vertebrate species. In silico splice site analysis predicts that this alteration will not have any significant effect on splicing. Since supporting evidence is limited at this time, the clinical significance of this alteration remains unclear.

All of Us Research Program, National Institutes of Health
Classification: Likely benign for Multiple endocrine neoplasia, type 2. Last evaluated: 2023-05-04. Review status: criteria provided, single submitter. Criteria: ACMG Guidelines, 2015. Collection method: clinical testing. Allele origin: germline. Inheritance: Autosomal dominant inheritance. Observed: 1 variant allele, 1 heterozygote.
Comment: This study involves interpretation of variants in research participants for the purpose of population health screening. Participant phenotype was not available at the time of variant classification. Additional details can be found in publication PMID: 35346344, PMCID: PMC8962531

NM_020975.6(RET):c.74-5C>T

Gene: RET (ret proto-oncogene; plus strand). Cytogenetic location: 10q11.21.
Variant type: single nucleotide variant.
Coding change: c.74-5C>T on transcript NM_020975.6 (MANE Select); 5 bases into the intron before coding-DNA position 74, C replaced by T.
Molecular consequence: intron variant.
Genome position (GRCh38, 1-based): chr10:43,100,454, C>T. VCF-style: chr10-43100454-C-T. GRCh37 (hg19) VCF-style: chr10-43595902-C-T.
Other names: c.74-5C>T (NM_020630.7, NM_001406743.1, NM_001406744.1 and 32 more transcripts); c.74-8577C>T (NM_001406784.1); c.74-11645C>T (NM_001406794.1, NM_001406792.1, NM_001406793.1).
Identifiers: ClinVar variation 477386 (VCV000477386.14), dbSNP rs1554817349, ClinGen allele CA658657959.